The following is an entry in ClinVar:

ClinVar aggregate classification (germline): Uncertain significance (1 of 4 stars; one submission).

Allele frequency attached by ClinVar (database versions not stated): TOPMed 0.00001.
gnomAD v4.1: 4 of 1,609,096 alleles (0.00025%); highest among the groups gnomAD compares: African/African-American, 0.0013%; no homozygotes.

Submission:

Labcorp Genetics (formerly Invitae), Labcorp
Classification: Uncertain significance. Last evaluated: 2022-07-13. Review status: criteria provided, single submitter. Criteria: Invitae Variant Classification Sherloc (09022015). Collection method: clinical testing. Allele origin: germline.
Comment: This sequence change replaces glutamic acid, which is acidic and polar, with lysine, which is basic and polar, at codon 1895 of the SPEG protein (p.Glu1895Lys). In summary, the available evidence is currently insufficient to determine the role of this variant in disease. Therefore, it has been classified as a Variant of Uncertain Significance. Algorithms developed to predict the effect of missense changes on protein structure and function are either unavailable or do not agree on the potential impact of this missense change (SIFT: "Deleterious"; PolyPhen-2: "Probably Damaging"; Align-GVGD: "Class C0"). The frequency data for this variant in the population databases is considered unreliable, as metrics indicate poor data quality at this position in the gnomAD database. This variant has not been reported in the literature in individuals affected with SPEG-related conditions.

NM_005876.5(SPEG):c.5683G>A (p.Glu1895Lys)

Genes: ASIC4-AS1 (ASIC4 antisense RNA 1; minus strand), SPEG (striated muscle enriched protein kinase; plus strand). Cytogenetic location: 2q35.
Variant type: single nucleotide variant.
Coding change: c.5683G>A on transcript NM_005876.5 (MANE Select); coding-DNA position 5683, G replaced by A.
Protein change: p.Glu1895Lys; replaces glutamic acid 1895 with lysine.
Molecular consequence: missense variant.
Genome position (GRCh38, 1-based): chr2:219,483,146, G>A. VCF-style: chr2-219483146-G-A. GRCh37 (hg19) VCF-style: chr2-220347868-G-A.
Other names: short protein forms E1895K.
Identifiers: ClinVar variation 2173209 (VCV002173209.4), dbSNP rs1457052339, ClinGen allele CA350692858.